The following is an entry in ClinVar:

ClinVar aggregate classification (germline): Uncertain significance (1 of 4 stars; one submission).

Conditions:
Charcot-Marie-Tooth disease type 2. Also called: Charcot-Marie-Tooth type 2. Identifiers: Orphanet 64746, MedGen C0270914, MONDO:0018993.

Submission:

Labcorp Genetics (formerly Invitae), Labcorp
Classification: Uncertain significance for Charcot-Marie-Tooth disease type 2. Last evaluated: 2023-06-19. Review status: criteria provided, single submitter. Criteria: Invitae Variant Classification Sherloc (09022015). Collection method: clinical testing. Allele origin: germline.
Comment: This sequence change falls in intron 4 of the GARS gene. It does not directly change the encoded amino acid sequence of the GARS protein. This variant is not present in population databases (gnomAD no frequency). This variant has not been reported in the literature in individuals affected with GARS-related conditions. Algorithms developed to predict the effect of sequence changes on RNA splicing suggest that this variant may disrupt the consensus splice site. In summary, the available evidence is currently insufficient to determine the role of this variant in disease. Therefore, it has been classified as a Variant of Uncertain Significance.

NM_002047.4(GARS1):c.570-8T>G

Gene: GARS1 (glycyl-tRNA synthetase 1; plus strand). Cytogenetic location: 7p14.3.
Variant type: single nucleotide variant.
Coding change: c.570-8T>G on transcript NM_002047.4 (MANE Select); 8 bases into the intron before coding-DNA position 570, T replaced by G.
Molecular consequence: intron variant.
Genome position (GRCh38, 1-based): chr7:30,603,026, T>G. VCF-style: chr7-30603026-T-G. GRCh37 (hg19) VCF-style: chr7-30642642-T-G.
Other names: c.408-8T>G (NM_001316772.1).
Identifiers: ClinVar variation 2719422 (VCV002719422.3), dbSNP rs2534293447, ClinGen allele CA2697557182.